The following is an entry in ClinVar:

ClinVar aggregate classification (germline): Uncertain significance (1 of 4 stars; one submission).

gnomAD v4.1: 1 of 1,613,692 alleles (0.000062%); highest among the groups gnomAD compares: Non-Finnish European, 0.000085%; no homozygotes.

Submission:

GeneDx
Classification: Uncertain significance. Last evaluated: 2019-07-26. Review status: criteria provided, single submitter. Criteria: GeneDx Variant Classification Process June 2021. Collection method: clinical testing. Allele origin: germline. Affected: yes.
Comment: Not observed in large population cohorts (Lek et al., 2016); In silico analysis, which includes protein predictors and evolutionary conservation, supports that this variant does not alter protein structure/function; Has not been previously published as pathogenic or benign to our knowledge

NM_003047.5(SLC9A1):c.257G>A (p.Arg86His)

Gene: SLC9A1 (solute carrier family 9 member A1; minus strand). Cytogenetic location: 1p36.11.
Variant type: single nucleotide variant.
Coding change: c.257G>A on transcript NM_003047.5 (MANE Select); coding-DNA position 257, G replaced by A.
Protein change: p.Arg86His; replaces arginine 86 with histidine.
Molecular consequence: missense variant. On other transcripts: non-coding transcript variant (1).
Genome position (GRCh38, 1-based): chr1:27,154,078, C>T on the plus strand (G>A on the coding strand, the complement: SLC9A1 is on the minus strand). VCF-style: chr1-27154078-C-T. GRCh37 (hg19) VCF-style: chr1-27480569-C-T.
Other names: short protein forms R86H.
Identifiers: ClinVar variation 1307318 (VCV001307318.2), dbSNP rs2124224356, ClinGen allele CA339265503.